The following is an entry in ClinVar:

NM_145239.3(PRRT2):c.574G>A (p.Gly192Arg)

Genes: MVP-DT (MVP divergent transcript; minus strand), PRRT2 (proline rich transmembrane protein 2; plus strand). Cytogenetic location: 16p11.2.
Variant type: single nucleotide variant.
Coding change: c.574G>A on transcript NM_145239.3 (MANE Select); coding-DNA position 574, G replaced by A.
Protein change: p.Gly192Arg; replaces glycine 192 with arginine.
Molecular consequence: missense variant.
Genome position (GRCh38, 1-based): chr16:29,813,628, G>A. VCF-style: chr16-29813628-G-A. GRCh37 (hg19) VCF-style: chr16-29824949-G-A.
Other names: c.574G>A, p.Gly192Arg (NM_001256442.2, NM_001256443.2, NM_001438120.1 and 2 more transcripts); short protein forms G192R.
Identifiers: ClinVar variation 4808207 (VCV004808207.1).

ClinVar aggregate classification (germline): Uncertain significance (1 of 4 stars; one submission).

Conditions:
Episodic kinesigenic dyskinesia (EKD). Also called: Paroxysmal kinesigenic dyskinesia. Identifiers: Orphanet 98809, MedGen C1868682, MONDO:0044202.

Submission:

Labcorp Genetics (formerly Invitae), Labcorp
Classification: Uncertain significance for Episodic kinesigenic dyskinesia. Last evaluated: 2025-03-25. Review status: criteria provided, single submitter. Criteria: Invitae Variant Classification Sherloc (09022015). Collection method: clinical testing. Allele origin: germline.
Comment: This sequence change replaces glycine, which is neutral and non-polar, with arginine, which is basic and polar, at codon 192 of the PRRT2 protein (p.Gly192Arg). This variant is not present in population databases (gnomAD no frequency). This variant has not been reported in the literature in individuals affected with PRRT2-related conditions. Invitae Evidence Modeling of protein sequence and biophysical properties (such as structural, functional, and spatial information, amino acid conservation, physicochemical variation, residue mobility, and thermodynamic stability) indicates that this missense variant is not expected to disrupt PRRT2 protein function with a negative predictive value of 95%. In summary, the available evidence is currently insufficient to determine the role of this variant in disease. Therefore, it has been classified as a Variant of Uncertain Significance.